The following is an entry in ClinVar:

ClinVar aggregate classification (germline): Uncertain significance. Review status: criteria provided, multiple submitters, no conflicts (2 of 4 stars). 4 submissions from 3 submitters: Uncertain significance (4). Last evaluated 2025-05-30.

Conditions:
Neuronopathy, distal hereditary motor, type 7A. Also called: HMN VIIA; SPINAL MUSCULAR ATROPHY, DISTAL, WITH VOCAL CORD PARALYSIS; Neuronopathy, distal hereditary motor, autosomal dominant 7; Neuronopathy, distal hereditary motor, type viia; NEURONOPATHY, DISTAL HEREDITARY MOTOR, HARDING TYPE VIIA; NEUROPATHY, DISTAL HEREDITARY MOTOR, HARDING TYPE VIIA. Identifiers: Orphanet 139589, MedGen C1834703, MONDO:0008024, OMIM 158580.
Congenital myasthenic syndrome 20. Also called: Myasthenic syndrome, congenital, 20, presynaptic. Identifiers: MedGen C4310694, MONDO:0014939, OMIM 617143.
Inborn genetic diseases. Identifiers: MedGen C0950123, MeSH D030342.

Allele frequency attached by ClinVar (database versions not stated): TOPMed 0.00001; gnomAD exomes 0.00002 and 0.00004; ExAC 0.00003.
gnomAD v4.1: 31 of 1,613,774 alleles (0.0019%); highest among the groups gnomAD compares: Non-Finnish European, 0.0022%; no homozygotes.

Submissions (4):

Labcorp Genetics (formerly Invitae), Labcorp
Classification: Uncertain significance for Neuronopathy, distal hereditary motor, type 7A; Congenital myasthenic syndrome 20. Last evaluated: 2025-05-30. Review status: criteria provided, single submitter. Criteria: Invitae Variant Classification Sherloc (09022015). Collection method: clinical testing. Allele origin: germline.
Comment: This sequence change replaces arginine, which is basic and polar, with glutamine, which is neutral and polar, at codon 382 of the SLC5A7 protein (p.Arg382Gln). This variant is present in population databases (rs757121838, gnomAD 0.005%). This variant has not been reported in the literature in individuals affected with SLC5A7-related conditions. ClinVar contains an entry for this variant (Variation ID: 945820). Invitae Evidence Modeling of protein sequence and biophysical properties (such as structural, functional, and spatial information, amino acid conservation, physicochemical variation, residue mobility, and thermodynamic stability) indicates that this missense variant is not expected to disrupt SLC5A7 protein function with a negative predictive value of 80%. In summary, the available evidence is currently insufficient to determine the role of this variant in disease. Therefore, it has been classified as a Variant of Uncertain Significance.

Baylor Genetics
Classification: Uncertain significance for Neuronopathy, distal hereditary motor, type 7A. Last evaluated: 2022-12-06. Review status: criteria provided, single submitter. Criteria: ACMG Guidelines, 2015. Collection method: clinical testing. Allele origin: unknown.

Baylor Genetics
Classification: Uncertain significance for Congenital myasthenic syndrome 20. Last evaluated: 2022-12-06. Review status: criteria provided, single submitter. Criteria: ACMG Guidelines, 2015. Collection method: clinical testing. Allele origin: unknown.

Ambry Genetics
Classification: Uncertain significance for Inborn genetic diseases. Last evaluated: 2020-07-21. Review status: criteria provided, single submitter. Criteria: Ambry Variant Classification Scheme 2023. Collection method: clinical testing. Allele origin: germline.
Comment: The p.R382Q variant (also known as c.1145G>A), located in coding exon 8 of the SLC5A7 gene, results from a G to A substitution at nucleotide position 1145. The arginine at codon 382 is replaced by glutamine, an amino acid with highly similar properties. This amino acid position is highly conserved in available vertebrate species. In addition, this alteration is predicted to be deleterious by in silico analysis. Since supporting evidence is limited at this time, the clinical significance of this alteration remains unclear.

NM_021815.5(SLC5A7):c.1145G>A (p.Arg382Gln)

Gene: SLC5A7 (solute carrier family 5 member 7; plus strand). Cytogenetic location: 2q12.3.
Variant type: single nucleotide variant.
Coding change: c.1145G>A on transcript NM_021815.5 (MANE Select); coding-DNA position 1145, G replaced by A.
Protein change: p.Arg382Gln; replaces arginine 382 with glutamine.
Molecular consequence: missense variant.
Genome position (GRCh38, 1-based): chr2:108,010,263, G>A. VCF-style: chr2-108010263-G-A. GRCh37 (hg19) VCF-style: chr2-108626719-G-A.
Other names: c.1145G>A, p.Arg382Gln (NM_001305005.3); c.830G>A, p.Arg277Gln (NM_001305006.3); c.404G>A, p.Arg135Gln (NM_001305007.3); short protein forms R382Q, R135Q, R277Q.
Identifiers: ClinVar variation 945820 (VCV000945820.9), dbSNP rs757121838, ClinGen allele CA1819141.
Genomic context (GRCh38, chr2:108,010,263, plus strand): 5'-AAAGCTGACACTGTGGCAATTTCTTACAGGCTTCGGACAAAGAAATCGTTTGGGTTATGC[G>A]AATCACAGTGTTTGTGTTTGGAGCATCTGCAACAGCCATGGCCTTGCTGACGAAAACTGT-3'
Protein context (NP_068587.1, residues 372-392): ASDKEIVWVM[Arg382Gln]ITVFVFGASA